The following is an entry in ClinVar:

ClinVar aggregate classification (germline): Pathogenic (1 of 4 stars; one submission).

Conditions:
Niemann-Pick disease, type C1. Also called: NEUROVISCERAL STORAGE DISEASE WITH VERTICAL SUPRANUCLEAR OPHTHALMOPLEGIA; NIEMANN-PICK DISEASE WITH CHOLESTEROL ESTERIFICATION BLOCK; NIEMANN-PICK DISEASE WITHOUT SPHINGOMYELINASE DEFICIENCY; NIEMANN-PICK DISEASE, CHRONIC NEURONOPATHIC FORM; NIEMANN-PICK DISEASE, VARIANT TYPE C1. Identifiers: Orphanet 646, MedGen C3179455, MONDO:0009757, OMIM 257220.

Allele frequency attached by ClinVar (database versions not stated): gnomAD exomes below 0.00001.
gnomAD v4.1: 1 of 1,613,914 alleles (0.000062%); highest among the groups gnomAD compares: Non-Finnish European, 0.000085%; no homozygotes.

Submission:

Labcorp Genetics (formerly Invitae), Labcorp
Classification: Pathogenic for Niemann-Pick disease, type C1. Last evaluated: 2022-08-15. Review status: criteria provided, single submitter. Criteria: Invitae Variant Classification Sherloc (09022015). Collection method: clinical testing. Allele origin: germline.
Comment: This sequence change creates a premature translational stop signal (p.Gln117*) in the NPC1 gene. It is expected to result in an absent or disrupted protein product. Loss-of-function variants in NPC1 are known to be pathogenic (PMID: 9211850). This variant is not present in population databases (gnomAD no frequency). This premature translational stop signal has been observed in individual(s) with Niemann-Pick disease type C (PMID: 30820861). ClinVar contains an entry for this variant (Variation ID: 1071436). Algorithms developed to predict the effect of sequence changes on RNA splicing suggest that this variant may create or strengthen a splice site. For these reasons, this variant has been classified as Pathogenic.

Literature cited by the submitters: PubMed 9211850; PubMed 30820861.

NM_000271.5(NPC1):c.349C>T (p.Gln117Ter)

Gene: NPC1 (NPC intracellular cholesterol transporter 1; minus strand). Cytogenetic location: 18q11.2.
Variant type: single nucleotide variant.
Coding change: c.349C>T on transcript NM_000271.5 (MANE Select); coding-DNA position 349, C replaced by T.
Protein change: p.Gln117Ter; replaces glutamine 117 with a stop codon.
Molecular consequence: nonsense.
Genome position (GRCh38, 1-based): chr18:23,568,937, G>A on the plus strand (C>T on the coding strand, the complement: NPC1 is on the minus strand). VCF-style: chr18-23568937-G-A. GRCh37 (hg19) VCF-style: chr18-21148901-G-A.
Other names: short protein forms Q117*.
Identifiers: ClinVar variation 1071436 (VCV001071436.9), dbSNP rs2145527075, ClinGen allele CA401785531.